The following is an entry in ClinVar:

ClinVar aggregate classification (germline): Pathogenic (1 of 4 stars; one submission).

Conditions:
Fanconi anemia (FA). Also called: Fanconi's anemia. Identifiers: Orphanet 84, MedGen C0015625, MeSH D005199, MONDO:0019391.

Submission:

Labcorp Genetics (formerly Invitae), Labcorp
Classification: Pathogenic for Fanconi anemia. Last evaluated: 2022-02-10. Review status: criteria provided, single submitter. Criteria: Invitae Variant Classification Sherloc (09022015). Collection method: clinical testing. Allele origin: germline.
Comment: This variant is not present in population databases (gnomAD no frequency). This sequence change creates a premature translational stop signal (p.Ser183Leufs*15) in the FANCM gene. It is expected to result in an absent or disrupted protein product. Loss-of-function variants in FANCM are known to be pathogenic (PMID: 29895858, 30075111). This variant has not been reported in the literature in individuals affected with FANCM-related conditions. For these reasons, this variant has been classified as Pathogenic.

Literature cited by the submitters: PubMed 29895858; PubMed 30075111.

NM_020937.4(FANCM):c.547_548delinsCTTA (p.Ser183fs)

Gene: FANCM (FA complementation group M; plus strand). Cytogenetic location: 14q21.2.
Variant type: Indel.
Coding change: c.547_548delinsCTTA on transcript NM_020937.4 (MANE Select); coding-DNA positions 547 to 548, AG replaced by CTTA.
Protein change: p.Ser183fs; shifts the reading frame from serine 183.
Molecular consequence: frameshift variant.
Genome position (GRCh38, 1-based): chr14:45,137,107-45,137,108, AG replaced by CTTA. VCF-style: chr14-45137107-AG-CTTA. GRCh37 (hg19) VCF-style: chr14-45606310-AG-CTTA.
Other names: c.547_548delinsCTTA, p.Ser183fs (NM_001308133.2, NM_001308134.2); short protein forms S183fs.
Identifiers: ClinVar variation 2165447 (VCV002165447.4), dbSNP rs2503040034, ClinGen allele CA2580088231.